The following is an entry in ClinVar:

ClinVar aggregate classification (germline): Uncertain significance (1 of 4 stars; one submission).

Allele frequency attached by ClinVar (database versions not stated): gnomAD exomes below 0.00001; gnomAD 0.00001; ExAC 0.00003; 1000 Genomes Project 0.00020.
gnomAD v4.1: 5 of 1,612,074 alleles (0.00031%); highest among the groups gnomAD compares: South Asian, 0.0044%; no homozygotes.

Submission:

GeneDx
Classification: Uncertain significance. Last evaluated: 2022-05-25. Review status: criteria provided, single submitter. Criteria: GeneDx Variant Classification Process June 2021. Collection method: clinical testing. Allele origin: germline. Affected: yes.
Comment: Not observed at significant frequency in large population cohorts (gnomAD); In silico analysis supports that this missense variant does not alter protein structure/function; Has not been previously published as pathogenic or benign to our knowledge

NM_001360.3(DHCR7):c.409G>T (p.Ala137Ser)

Gene: DHCR7 (7-dehydrocholesterol reductase; minus strand). Cytogenetic location: 11q13.4.
Variant type: single nucleotide variant.
Coding change: c.409G>T on transcript NM_001360.3 (MANE Select); coding-DNA position 409, G replaced by T.
Protein change: p.Ala137Ser; replaces alanine 137 with serine.
Molecular consequence: missense variant.
Genome position (GRCh38, 1-based): chr11:71,442,266, C>A on the plus strand (G>T on the coding strand, the complement: DHCR7 is on the minus strand). VCF-style: chr11-71442266-C-A. GRCh37 (hg19) VCF-style: chr11-71153312-C-A.
Other names: c.409G>T, p.Ala137Ser (NM_001163817.2); short protein forms A137S.
Identifiers: ClinVar variation 1800846 (VCV001800846.1), dbSNP rs563056315, ClinGen allele CA6162589.